The following is an entry in ClinVar:

ClinVar aggregate classification (germline): Conflicting classifications of pathogenicity. Review status: criteria provided, conflicting classifications (1 of 4 stars). 3 submissions from 3 submitters: Uncertain significance (1); Likely benign (2). Last evaluated 2025-04-11.

Conditions:
Autosomal recessive limb-girdle muscular dystrophy type 2Y (MRRSDC). Also called: Muscular dystrophy, autosomal recessive, with rigid spine and distal joint contractures; Muscular dystrophy, limb-girdle, type 2y. Identifiers: Orphanet 424261, MedGen C4511482, MONDO:0014900, OMIM 617072.

Allele frequency attached by ClinVar (database versions not stated): gnomAD 0.00002 and 0.00011; TOPMed 0.00002; gnomAD exomes 0.00013 and 0.00022; ExAC 0.00022; 1000 Genomes Project 30x 0.00109; 1000 Genomes Project 0.00140.
gnomAD v4.1: 327 of 1,610,850 alleles (0.02%); highest among the groups gnomAD compares: East Asian, 0.73%; 3 homozygotes.

Submissions (3):

Labcorp Genetics (formerly Invitae), Labcorp
Classification: Likely benign for Autosomal recessive limb-girdle muscular dystrophy type 2Y. Last evaluated: 2025-04-11. Review status: criteria provided, single submitter. Criteria: Invitae Variant Classification Sherloc (09022015). Collection method: clinical testing. Allele origin: germline.

GeneDx
Classification: Uncertain significance. Last evaluated: 2025-04-02. Review status: criteria provided, single submitter. Criteria: GeneDx Variant Classification Process June 2021. Collection method: clinical testing. Allele origin: germline. Affected: yes.
Comment: In silico analysis supports that this missense variant has a deleterious effect on protein structure/function; Has not been previously published as pathogenic or benign to our knowledge

Blueprint Genetics
Classification: Likely benign. Last evaluated: 2024-03-06. Review status: criteria provided, single submitter. Criteria: ACMG Guidelines, 2015. Collection method: clinical testing. Allele origin: germline.

NM_015602.4(TOR1AIP1):c.493C>G (p.Gln165Glu)

Gene: TOR1AIP1 (torsin 1A interacting protein 1; plus strand). Cytogenetic location: 1q25.2.
Variant type: single nucleotide variant.
Coding change: c.493C>G on transcript NM_015602.4 (MANE Select); coding-DNA position 493, C replaced by G.
Protein change: p.Gln165Glu; replaces glutamine 165 with glutamic acid.
Molecular consequence: missense variant.
Genome position (GRCh38, 1-based): chr1:179,884,709, C>G. VCF-style: chr1-179884709-C-G. GRCh37 (hg19) VCF-style: chr1-179853844-C-G.
Other names: c.493C>G, p.Gln165Glu (NM_001267578.2); short protein forms Q165E.
Identifiers: ClinVar variation 705702 (VCV000705702.14), dbSNP rs142574917, ClinGen allele CA1268811.